The following is an entry in ClinVar:

ClinVar aggregate classification (germline): Uncertain significance (1 of 4 stars; one submission).

Conditions:
Charcot-Marie-Tooth disease axonal type 2O. Also called: CHARCOT-MARIE-TOOTH NEUROPATHY, AXONAL, TYPE 2O; CHARCOT-MARIE-TOOTH DISEASE, AXONAL, AUTOSOMAL DOMINANT, TYPE 2O; Charcot-Marie-Tooth Neuropathy Type 2O; Charcot-Marie-Tooth disease, axonal, type 20. Identifiers: Orphanet 284232, MedGen C3280220, MONDO:0013644, OMIM 614228.

Submission:

Labcorp Genetics (formerly Invitae), Labcorp
Classification: Uncertain significance for Charcot-Marie-Tooth disease axonal type 2O. Last evaluated: 2025-11-10. Review status: criteria provided, single submitter. Criteria: Invitae Variant Classification Sherloc (09022015). Collection method: clinical testing. Allele origin: germline.
Comment: This variant, c.13890_13892del, results in the deletion of 1 amino acid(s) of the DYNC1H1 protein (p.Glu4630del), but otherwise preserves the integrity of the reading frame. This variant is not present in population databases (gnomAD no frequency). This variant has not been reported in the literature in individuals affected with DYNC1H1-related conditions. This variant has been observed in at least one individual who was not affected with DYNC1H1-related conditions (internal data). Experimental studies and prediction algorithms are not available or were not evaluated, and the functional significance of this variant is currently unknown. In summary, the available evidence is currently insufficient to determine the role of this variant in disease. Therefore, it has been classified as a Variant of Uncertain Significance.

NM_001376.5(DYNC1H1):c.13887GGA[1] (p.Glu4630del)

Gene: DYNC1H1 (dynein cytoplasmic 1 heavy chain 1; plus strand). Cytogenetic location: 14q32.31.
Variant type: Microsatellite.
Coding change: c.13887GGA[1] on transcript NM_001376.5 (MANE Select); one copy of the 3-base unit GGA starting at c.13887; the reference has two copies in a row; one copy, 3 bases deleted.
Protein change: p.Glu4630del; deletes glutamic acid 4630.
Molecular consequence: inframe deletion.
Genome position (GRCh38, 1-based): chr14:102,050,512-102,050,514, GGA deleted; deleting any 3 consecutive bases within chr14:102,050,508-102,050,514 gives the same sequence; the position shown is the placement nearest the transcript's 3' end. VCF-style (leftmost placement, unchanged base first): chr14-102050507-AAGG-A. GRCh37 (hg19) VCF-style: chr14-102516844-AAGG-A.
Other names: short protein forms E4630del.
Identifiers: ClinVar variation 1446254 (VCV001446254.8), dbSNP rs2152601717, ClinGen allele CA2555589411.